The following is an entry in ClinVar:

ClinVar aggregate classification (germline): Uncertain significance (1 of 4 stars; one submission).

gnomAD v4.1: 1 of 1,614,192 alleles (0.000062%); highest among the groups gnomAD compares: Non-Finnish European, 0.000085%; no homozygotes.

Submission:

CeGaT Center for Human Genetics Tuebingen
Classification: Uncertain significance. Last evaluated: 2023-07-01. Review status: criteria provided, single submitter. Criteria: CeGaT Center For Human Genetics Tuebingen Variant Classification Criteria Version 2. Collection method: clinical testing. Allele origin: germline. Affected: yes. Observed: 1 variant allele.
Comment: TGM6: PM2

NM_198994.3(TGM6):c.1066G>A (p.Asp356Asn)

Gene: TGM6 (transglutaminase 6; plus strand). Cytogenetic location: 20p13.
Variant type: single nucleotide variant.
Coding change: c.1066G>A on transcript NM_198994.3 (MANE Select); coding-DNA position 1066, G replaced by A.
Protein change: p.Asp356Asn; replaces aspartic acid 356 with asparagine.
Molecular consequence: missense variant.
Genome position (GRCh38, 1-based): chr20:2,403,473, G>A. VCF-style: chr20-2403473-G-A. GRCh37 (hg19) VCF-style: chr20-2384119-G-A.
Other names: c.1066G>A, p.Asp356Asn (NM_001254734.2); short protein forms D356N.
Identifiers: ClinVar variation 2652145 (VCV002652145.24), dbSNP rs2514377375, ClinGen allele CA408012408.